The following is an entry in ClinVar:

ClinVar aggregate classification (germline): Uncertain significance (1 of 4 stars; one submission).

Conditions:
Fetal akinesia, respiratory insufficiency, microcephaly, polymicrogyria, and dysmorphic facies. Identifiers: MedGen C5562015, MONDO:0859204, OMIM 619602.
Developmental and epileptic encephalopathy 98. Identifiers: MedGen C5562017, MONDO:0030472, OMIM 619605.
Alternating hemiplegia of childhood 1 (AHC1). Identifiers: Orphanet 2131, MedGen C3549447, MONDO:0007087, OMIM 104290.
Migraine, familial hemiplegic, 2. Identifiers: Orphanet 569, MedGen C1865322, MONDO:0011232, OMIM 602481.

Submission:

Juno Genomics, Hangzhou Juno Genomics, Inc
Classification: Uncertain significance for Alternating hemiplegia of childhood 1; Developmental and epileptic encephalopathy 98; Fetal akinesia, respiratory insufficiency, microcephaly, polymicrogyria, and dysmorphic facies; Migraine, familial hemiplegic, 2. Review status: criteria provided, single submitter. Criteria: ACMG Guidelines, 2015. Collection method: clinical testing. Allele origin: germline.
Comment: Absent from controls (or at extremely low frequency if recessive) in Genome Aggregation Database.;Missense variant in a gene that has a low rate of benign missense variation.

NM_000702.4(ATP1A2):c.1312A>T (p.Ile438Phe)

Gene: ATP1A2 (ATPase Na+/K+ transporting subunit alpha 2; plus strand). Cytogenetic location: 1q23.2.
Variant type: single nucleotide variant.
Coding change: c.1312A>T on transcript NM_000702.4 (MANE Select); coding-DNA position 1312, A replaced by T.
Protein change: p.Ile438Phe; replaces isoleucine 438 with phenylalanine.
Molecular consequence: missense variant.
Genome position (GRCh38, 1-based): chr1:160,129,075, A>T. VCF-style: chr1-160129075-A-T. GRCh37 (hg19) VCF-style: chr1-160098865-A-T.
Other names: short protein forms I438F.
Identifiers: ClinVar variation 5005028 (VCV005005028.2).